The following is an entry in ClinVar:

ClinVar aggregate classification (germline): Likely pathogenic (0 of 4 stars; one submission).

Conditions:
GPC3-related disorder. Also called: GPC3-related condition.

Submission:

PreventionGenetics, part of Exact Sciences
Classification: Likely pathogenic for GPC3-related condition. Last evaluated: 2024-02-06. Review status: no assertion criteria provided. Collection method: clinical testing. Allele origin: germline.
Comment: The GPC3 c.666_667delAC variant is predicted to result in a frameshift and premature protein termination (p.Leu223Alafs*4). To our knowledge, this variant has not been reported in the literature or in a large population database, indicating this variant is rare. Frameshift variants in GPC3 are expected to be pathogenic. This variant is interpreted as likely pathogenic.

NM_004484.4(GPC3):c.666_667del (p.Leu223fs)

Gene: GPC3 (glypican 3; minus strand). Cytogenetic location: Xq26.2.
Variant type: Deletion.
Coding change: c.666_667del on transcript NM_004484.4 (MANE Select); coding-DNA positions 666 to 667, 2 bases deleted (AC; older notation c.666_667delAC).
Protein change: p.Leu223fs; shifts the reading frame from leucine 223.
Molecular consequence: frameshift variant.
Genome position (GRCh38, 1-based): chrX:133,753,847-133,753,848, GT deleted on the plus strand (AC on the coding strand, the reverse complement: GPC3 is on the minus strand); deleting any 2 consecutive bases within chrX:133,753,847-133,753,849 gives the same sequence; the c. name uses the placement nearest the transcript's 3' end. VCF-style (leftmost placement, unchanged base first): chrX-133753846-AGT-A. GRCh37 (hg19) VCF-style: chrX-132887873-AGT-A.
Other names: c.666_667del, p.Leu223fs (NM_001164617.2); c.618_619del, p.Leu207fs (NM_001164618.2); c.504_505del, p.Leu169fs (NM_001164619.2); c.666_667delAC (NM_004484.3); short protein forms L169fs, L207fs, L223fs.
Identifiers: ClinVar variation 3348513 (VCV003348513.1).
Genomic context (GRCh38, chrX:133,753,846, plus strand): 5'-GTTGTGTTGATCACTTCAATTCCAAGATTCAGAGCCTGAAGGAAGATCCTAGTGACTTGC[AGT>A]GACTTGGAAACCTGGGTCATAATAAGCTTGGGGAAATTCCCAAATACTTTCAGGTCACGT-3'